The following is an entry in ClinVar:

NM_001375405.1(CEP120):c.991A>C (p.Thr331Pro)

Gene: CEP120 (centrosomal protein 120; minus strand). Cytogenetic location: 5q23.2.
Variant type: single nucleotide variant.
Coding change: c.991A>C on transcript NM_001375405.1 (MANE Select); coding-DNA position 991, A replaced by C.
Protein change: p.Thr331Pro; replaces threonine 331 with proline.
Molecular consequence: missense variant. On other transcripts: non-coding transcript variant (1).
Genome position (GRCh38, 1-based): chr5:123,391,157, T>G on the plus strand (A>C on the coding strand, the complement: CEP120 is on the minus strand). VCF-style: chr5-123391157-T-G. GRCh37 (hg19) VCF-style: chr5-122726851-T-G.
Other names: c.913A>C, p.Thr305Pro (NM_001166226.2); c.991A>C, p.Thr331Pro (NM_001375406.1, NM_001375407.1, NM_153223.4); c.418A>C, p.Thr140Pro (NM_001375408.1, NM_001375409.1); short protein forms T331P, T305P, T140P.
Identifiers: ClinVar variation 1934942 (VCV001934942.5), dbSNP rs372144017, ClinGen allele CA3387097.
Genomic context (GRCh38, chr5:123,391,157, plus strand): 5'-GGCCACTACTTGCCTGGGAGTCTATGCCTTCTCTCTGCAGAGCCACAGACACTCCCACAG[T>G]TGGGGCTAGCTCCACAGGAATAGGTGCAAGCTTCTGTTTGGCTCTGTTTGGAGGGTCAAG-3'
Protein context (NP_001362334.1, residues 321-341): LAPIPVELAP[Thr331Pro]VGVSVALQRE

ClinVar aggregate classification (germline): Uncertain significance (1 of 4 stars; one submission).

Conditions:
Short-rib thoracic dysplasia 13 with or without polydactyly (SRTD13). Identifiers: Orphanet 474, MedGen C4225378, MONDO:0014577, OMIM 616300.

Allele frequency attached by ClinVar (database versions not stated): ExAC 0.00001; ESP Exome Variant Server 0.00008.
gnomAD v4.1: 12 of 1,614,172 alleles (0.00074%); highest among the groups gnomAD compares: Non-Finnish European, 0.001%; no homozygotes.

Submission:

Labcorp Genetics (formerly Invitae), Labcorp
Classification: Uncertain significance for Short-rib thoracic dysplasia 13 with or without polydactyly. Last evaluated: 2023-01-07. Review status: criteria provided, single submitter. Criteria: Invitae Variant Classification Sherloc (09022015). Collection method: clinical testing. Allele origin: germline.
Comment: This variant is present in population databases (rs372144017, gnomAD 0.0009%). In summary, the available evidence is currently insufficient to determine the role of this variant in disease. Therefore, it has been classified as a Variant of Uncertain Significance. Advanced modeling of protein sequence and biophysical properties (such as structural, functional, and spatial information, amino acid conservation, physicochemical variation, residue mobility, and thermodynamic stability) performed at Invitae indicates that this missense variant is expected to disrupt CEP120 protein function. This variant has not been reported in the literature in individuals affected with CEP120-related conditions. This sequence change replaces threonine, which is neutral and polar, with proline, which is neutral and non-polar, at codon 331 of the CEP120 protein (p.Thr331Pro).